The following is an entry in ClinVar:

NM_006904.7(PRKDC):c.10541T>G (p.Val3514Gly)

Gene: PRKDC (protein kinase, DNA-activated, catalytic subunit; minus strand). Cytogenetic location: 8q11.21.
Variant type: single nucleotide variant.
Coding change: c.10541T>G on transcript NM_006904.7 (MANE Select); coding-DNA position 10541, T replaced by G.
Protein change: p.Val3514Gly; replaces valine 3514 with glycine.
Molecular consequence: missense variant.
Genome position (GRCh38, 1-based): chr8:47,794,419, A>C on the plus strand (T>G on the coding strand, the complement: PRKDC is on the minus strand). VCF-style: chr8-47794419-A-C. GRCh37 (hg19) VCF-style: chr8-48706980-A-C.
Other names: c.10541T>G, p.Val3514Gly (NM_001081640.2); short protein forms V3514G.
Identifiers: ClinVar variation 1777977 (VCV001777977.2), dbSNP rs2551862021, ClinGen allele CA371134063.

ClinVar aggregate classification (germline): Uncertain significance (1 of 4 stars; one submission).

Submission:

Ambry Genetics
Classification: Uncertain significance. Last evaluated: 2022-07-17. Review status: criteria provided, single submitter. Criteria: Ambry Variant Classification Scheme 2023. Collection method: clinical testing. Allele origin: germline.
Comment: The p.V3514G variant (also known as c.10541T>G), located in coding exon 74 of the PRKDC gene, results from a T to G substitution at nucleotide position 10541. The valine at codon 3514 is replaced by glycine, an amino acid with dissimilar properties. This amino acid position is conserved. Since supporting evidence is limited at this time, the clinical significance of this alteration remains unclear.